The following is an entry in ClinVar:

NM_017780.4(CHD7):c.7459G>T (p.Ala2487Ser)

Gene: CHD7 (chromodomain helicase DNA binding protein 7; plus strand). Cytogenetic location: 8q12.2.
Variant type: single nucleotide variant.
Coding change: c.7459G>T on transcript NM_017780.4 (MANE Select); coding-DNA position 7459, G replaced by T.
Protein change: p.Ala2487Ser; replaces alanine 2487 with serine.
Molecular consequence: missense variant. On other transcripts: intron variant (1).
Genome position (GRCh38, 1-based): chr8:60,856,739, G>T. VCF-style: chr8-60856739-G-T. GRCh37 (hg19) VCF-style: chr8-61769298-G-T.
Other names: c.1717-5490G>T (NM_001316690.1); short protein forms A2487S.
Identifiers: ClinVar variation 2576045 (VCV002576045.8), dbSNP rs750700125, ClinGen allele CA371301844.

ClinVar aggregate classification (germline): Uncertain significance. Review status: criteria provided, multiple submitters, no conflicts (2 of 4 stars). 2 submissions from 2 submitters: Uncertain significance (2). Last evaluated 2025-09-01.

Submissions (2):

CeGaT Center for Human Genetics Tuebingen
Classification: Uncertain significance. Last evaluated: 2025-09-01. Review status: criteria provided, single submitter. Criteria: CeGaT Center For Human Genetics Tuebingen Variant Classification Criteria Version 2. Collection method: clinical testing. Allele origin: germline. Affected: yes. Observed: 1 variant allele.
Comment: CHD7: PM2, BP4

Institute for Clinical Genetics, University Hospital TU Dresden, University Hospital TU Dresden
Classification: Uncertain significance. Last evaluated: 2022-04-08. Review status: criteria provided, single submitter. Criteria: ACMG Guidelines, 2015. Collection method: clinical testing. Allele origin: maternal.
Comment: PP3, PM2_SUP, PP2